The following is an entry in ClinVar:

ClinVar aggregate classification (germline): Uncertain significance. Review status: criteria provided, multiple submitters, no conflicts (2 of 4 stars). 3 submissions from 3 submitters: Uncertain significance (3). Last evaluated 2025-07-20.

Conditions:
Autosomal recessive ataxia, Beauce type. Also called: Spinocerebellar ataxia, autosomal recessive 8; ATAXIA, RECESSIVE, OF BEAUCE; SYNE1-Related Autosomal Recessive Cerebellar Ataxia; SYNE1 Deficiency. Identifiers: Orphanet 88644, MedGen C1853116, MONDO:0012549, OMIM 610743.
Emery-Dreifuss muscular dystrophy 4, autosomal dominant (EDMD4). Also called: EMERY-DREIFUSS MUSCULAR DYSTROPHY 4 WITH VARIABLE FEATURES. Identifiers: Orphanet 261, MedGen C2751807, MONDO:0013071, OMIM 612998.

Allele frequency attached by ClinVar (database versions not stated): gnomAD exomes 0.00001; ExAC 0.00002; TOPMed 0.00004; gnomAD 0.00007 and 0.00008.
gnomAD v4.1: 24 of 1,614,060 alleles (0.0015%); highest among the groups gnomAD compares: Middle Eastern, 0.016%; no homozygotes.

Submissions (3):

Labcorp Genetics (formerly Invitae), Labcorp
Classification: Uncertain significance for Emery-Dreifuss muscular dystrophy 4, autosomal dominant; Autosomal recessive ataxia, Beauce type. Last evaluated: 2025-07-20. Review status: criteria provided, single submitter. Criteria: Invitae Variant Classification Sherloc (09022015). Collection method: clinical testing. Allele origin: germline.
Comment: This sequence change replaces arginine, which is basic and polar, with histidine, which is basic and polar, at codon 6329 of the SYNE1 protein (p.Arg6329His). This variant is present in population databases (rs746141355, gnomAD 0.02%). This variant has not been reported in the literature in individuals affected with SYNE1-related conditions. ClinVar contains an entry for this variant (Variation ID: 283332). An algorithm developed to predict the effect of missense changes on protein structure and function outputs the following: PolyPhen-2: "Benign". The histidine amino acid residue is found in multiple mammalian species, which suggests that this missense change does not adversely affect protein function. In summary, the available evidence is currently insufficient to determine the role of this variant in disease. Therefore, it has been classified as a Variant of Uncertain Significance.

Revvity Omics, Revvity
Classification: Uncertain significance. Last evaluated: 2021-03-15. Review status: criteria provided, single submitter. Criteria: ACMG Guidelines, 2015. Collection method: clinical testing. Allele origin: germline.

Eurofins Ntd Llc (ga)
Classification: Uncertain significance. Last evaluated: 2015-09-15. Review status: criteria provided, single submitter. Criteria: EGL Classification Definitions 2015. Collection method: clinical testing. Allele origin: germline. Observed: 1 variant allele, 1 heterozygote.

NM_182961.4(SYNE1):c.19199G>A (p.Arg6400His)

Gene: SYNE1 (spectrin repeat containing nuclear envelope protein 1; minus strand). Cytogenetic location: 6q25.2.
Variant type: single nucleotide variant.
Coding change: c.19199G>A on transcript NM_182961.4 (MANE Select); coding-DNA position 19199, G replaced by A.
Protein change: p.Arg6400His; replaces arginine 6400 with histidine.
Molecular consequence: missense variant.
Genome position (GRCh38, 1-based): chr6:152,255,652, C>T on the plus strand (G>A on the coding strand, the complement: SYNE1 is on the minus strand). VCF-style: chr6-152255652-C-T. GRCh37 (hg19) VCF-style: chr6-152576787-C-T.
Other names: c.18986G>A, p.Arg6329His (NM_033071.5); short protein forms R6329H, R6400H.
Identifiers: ClinVar variation 283332 (VCV000283332.15), dbSNP rs746141355, ClinGen allele CA4054740.